The following is an entry in ClinVar:

ClinVar aggregate classification (germline): Uncertain significance (1 of 4 stars; one submission).

Submission:

GeneDx
Classification: Uncertain significance. Last evaluated: 2022-09-25. Review status: criteria provided, single submitter. Criteria: GeneDx Variant Classification Process June 2021. Collection method: clinical testing. Allele origin: germline. Affected: yes.
Comment: Not observed at significant frequency in large population cohorts (gnomAD); In silico analysis supports that this missense variant has a deleterious effect on protein structure/function; Has not been previously published as pathogenic or benign to our knowledge

NM_001394062.1(MACF1):c.1922T>C (p.Met641Thr)

Gene: MACF1 (microtubule actin crosslinking factor 1; plus strand). Cytogenetic location: 1p34.3.
Variant type: single nucleotide variant.
Coding change: c.1922T>C on transcript NM_001394062.1 (MANE Select); coding-DNA position 1922, T replaced by C.
Protein change: p.Met641Thr; replaces methionine 641 with threonine.
Molecular consequence: missense variant.
Genome position (GRCh38, 1-based): chr1:39,292,773, T>C. VCF-style: chr1-39292773-T-C. GRCh37 (hg19) VCF-style: chr1-39758445-T-C.
Other names: c.1937T>C, p.Met646Thr (NM_012090.5); short protein forms M641T, M646T.
Identifiers: ClinVar variation 2446101 (VCV002446101.1), dbSNP rs2521478154, ClinGen allele CA339765635.